The following is an entry in ClinVar:

NM_001184.4(ATR):c.5402G>T (p.Ser1801Ile)

Gene: ATR (ATR checkpoint kinase; minus strand). Cytogenetic location: 3q23.
Variant type: single nucleotide variant.
Coding change: c.5402G>T on transcript NM_001184.4 (MANE Select); coding-DNA position 5402, G replaced by T.
Protein change: p.Ser1801Ile; replaces serine 1801 with isoleucine.
Molecular consequence: missense variant.
Genome position (GRCh38, 1-based): chr3:142,498,753, C>A on the plus strand (G>T on the coding strand, the complement: ATR is on the minus strand). VCF-style: chr3-142498753-C-A. GRCh37 (hg19) VCF-style: chr3-142217595-C-A.
Other names: c.5210G>T, p.Ser1737Ile (NM_001354579.2); short protein forms S1737I, S1801I.
Identifiers: ClinVar variation 1347658 (VCV001347658.8), dbSNP rs2108341774, ClinGen allele CA354816339.

ClinVar aggregate classification (germline): Uncertain significance (1 of 4 stars; one submission).

Submission:

Labcorp Genetics (formerly Invitae), Labcorp
Classification: Uncertain significance. Last evaluated: 2021-04-28. Review status: criteria provided, single submitter. Criteria: Invitae Variant Classification Sherloc (09022015). Collection method: clinical testing. Allele origin: germline.
Comment: In summary, the available evidence is currently insufficient to determine the role of this variant in disease. Therefore, it has been classified as a Variant of Uncertain Significance. Algorithms developed to predict the effect of missense changes on protein structure and function are either unavailable or do not agree on the potential impact of this missense change (SIFT: "Tolerated"; PolyPhen-2: "Probably Damaging"; Align-GVGD: "Class C0"). This variant has not been reported in the literature in individuals with ATR-related conditions. This variant is not present in population databases (ExAC no frequency). This sequence change replaces serine with isoleucine at codon 1801 of the ATR protein (p.Ser1801Ile). The serine residue is moderately conserved and there is a large physicochemical difference between serine and isoleucine.